The following is an entry in ClinVar:

NM_144573.4(NEXN):c.864+12T>A

Gene: NEXN (nexilin F-actin binding protein; plus strand). Cytogenetic location: 1p31.1.
Variant type: single nucleotide variant.
Coding change: c.864+12T>A on transcript NM_144573.4 (MANE Select); 12 bases into the intron after coding-DNA position 864, T replaced by A.
Molecular consequence: intron variant.
Genome position (GRCh38, 1-based): chr1:77,926,904, T>A. VCF-style: chr1-77926904-T-A. GRCh37 (hg19) VCF-style: chr1-78392589-T-A.
Other names: c.672+12T>A (NM_001172309.2).
Identifiers: ClinVar variation 47913 (VCV000047913.22), dbSNP rs188416492, ClinGen allele CA142174.

ClinVar aggregate classification (germline): Benign/Likely benign. Review status: criteria provided, multiple submitters, no conflicts (2 of 4 stars). 9 submissions from 9 submitters: Benign (2); Likely benign (2). 5 of the submissions do not count toward it. Last evaluated 2026-02-04.

Conditions:
NEXN-related disorder. Also called: NEXN-related disorders; NEXN-related condition.
Hypertrophic cardiomyopathy 20. Identifiers: MedGen C3151267, MONDO:0013477, OMIM 613876.
Dilated cardiomyopathy 1CC (CMD1CC). Identifiers: Orphanet 154, MedGen C2751084, MONDO:0013147, OMIM 613122.

Allele frequency attached by ClinVar (database versions not stated): 1000 Genomes Project 0.00080; 1000 Genomes Project 30x 0.00094; ESP Exome Variant Server 0.00110; ExAC 0.00122; TOPMed 0.00129; gnomAD exomes 0.00137 and 0.00220; gnomAD 0.00140 and 0.00141.

Submissions (9):

Labcorp Genetics (formerly Invitae), Labcorp
Classification: Benign for Dilated cardiomyopathy 1CC; Hypertrophic cardiomyopathy 20. Last evaluated: 2026-02-04. Review status: criteria provided, single submitter. Criteria: Invitae Variant Classification Sherloc (09022015). Collection method: clinical testing. Allele origin: germline.

Blueprint Genetics
Classification: Likely benign. Last evaluated: 2024-11-26. Review status: criteria provided, single submitter. Criteria: ACMG Guidelines, 2015. Collection method: clinical testing. Allele origin: germline.

GeneDx
Classification: Benign. Last evaluated: 2014-05-22. Review status: criteria provided, single submitter. Criteria: GeneDx Variant Classification (06012015). Collection method: clinical testing. Allele origin: germline. Affected: yes.
Comment: This variant is considered likely benign or benign based on one or more of the following criteria: it is a conservative change, it occurs at a poorly conserved position in the protein, it is predicted to be benign by multiple in silico algorithms, and/or has population frequency not consistent with disease.

Laboratory for Molecular Medicine, Mass General Brigham Personalized Medicine
Classification: Likely benign. Last evaluated: 2012-03-19. Review status: criteria provided, single submitter. Criteria: LMM Criteria. Collection method: clinical testing. Allele origin: germline. Observed: 11 variant alleles.
Comment: c.864+12T>A in intron 8 of NEXN: This variant is not expected to have clinical s ignificance because it is not located within the splice consensus sequence. It h as been identified in 0.2% (13/6568) of European American chromosomes from a bro ad population by the NHLBI Exome Sequencing Project (u/EVS).

PreventionGenetics, part of Exact Sciences
Classification: Likely benign for NEXN-related condition. Last evaluated: 2022-07-27. Review status: no assertion criteria provided. Collection method: clinical testing. Allele origin: germline. Not counted in ClinVar's aggregate classification.
Comment: This variant is classified as likely benign based on ACMG/AMP sequence variant interpretation guidelines (Richards et al. 2015 PMID: 25741868, with internal and published modifications).

Clinical Genetics DNA and cytogenetics Diagnostics Lab, Erasmus MC, Erasmus Medical Center
Classification: Benign. Review status: no assertion criteria provided. Collection method: clinical testing. Allele origin: germline. Affected: yes. Study: VKGL Data-share Consensus. Not counted in ClinVar's aggregate classification.

Clinical Genetics, Academic Medical Center
Classification: Benign. Review status: no assertion criteria provided. Collection method: clinical testing. Allele origin: germline. Affected: yes. Study: VKGL Data-share Consensus. Not counted in ClinVar's aggregate classification.

Diagnostic Laboratory, Department of Genetics, University Medical Center Groningen
Classification: Likely benign. Review status: no assertion criteria provided. Collection method: clinical testing. Allele origin: germline. Affected: yes. Study: VKGL Data-share Consensus. Not counted in ClinVar's aggregate classification.

Genome Diagnostics Laboratory, University Medical Center Utrecht
Classification: Benign. Review status: no assertion criteria provided. Collection method: clinical testing. Allele origin: germline. Affected: yes. Study: VKGL Data-share Consensus. Not counted in ClinVar's aggregate classification.